The following is an entry in ClinVar:

NM_001928.4(CFD):c.142G>A (p.Ala48Thr)

Gene: CFD (complement factor D; plus strand). Cytogenetic location: 19p13.3.
Variant type: single nucleotide variant.
Coding change: c.142G>A on transcript NM_001928.4 (MANE Select); coding-DNA position 142, G replaced by A.
Protein change: p.Ala48Thr; replaces alanine 48 with threonine.
Molecular consequence: missense variant.
Genome position (GRCh38, 1-based): chr19:860,703, G>A. VCF-style: chr19-860703-G-A. GRCh37 (hg19) VCF-style: chr19-860703-G-A.
Other names: c.163G>A, p.Ala55Thr (NM_001317335.2); short protein forms A48T, A55T.
Identifiers: ClinVar variation 2418176 (VCV002418176.5), dbSNP rs1188815840, ClinGen allele CA402920686.

ClinVar aggregate classification (germline): Uncertain significance (1 of 4 stars; one submission).

gnomAD v4.1: 4 of 1,555,752 alleles (0.00026%); highest among the groups gnomAD compares: East Asian, 0.0024%; no homozygotes.

Submission:

Labcorp Genetics (formerly Invitae), Labcorp
Classification: Uncertain significance. Last evaluated: 2022-06-14. Review status: criteria provided, single submitter. Criteria: Invitae Variant Classification Sherloc (09022015). Collection method: clinical testing. Allele origin: germline.
Comment: In summary, the available evidence is currently insufficient to determine the role of this variant in disease. Therefore, it has been classified as a Variant of Uncertain Significance. Algorithms developed to predict the effect of missense changes on protein structure and function output the following: SIFT: "Not Available"; PolyPhen-2: "Benign"; Align-GVGD: "Not Available". The threonine amino acid residue is found in multiple mammalian species, which suggests that this missense change does not adversely affect protein function. This variant has not been reported in the literature in individuals affected with CFD-related conditions. The frequency data for this variant in the population databases is considered unreliable, as metrics indicate poor data quality at this position in the gnomAD database. This sequence change replaces alanine, which is neutral and non-polar, with threonine, which is neutral and polar, at codon 48 of the CFD protein (p.Ala48Thr).